The following is an entry in ClinVar:

NM_013247.5(HTRA2):c.536T>C (p.Ile179Thr)

Genes: HTRA2 (HtrA serine peptidase 2; plus strand), LOC129934141 (ATAC-STARR-seq lymphoblastoid active region 16073; plus strand). Cytogenetic location: 2p13.1.
Variant type: single nucleotide variant.
Coding change: c.536T>C on transcript NM_013247.5 (MANE Select); coding-DNA position 536, T replaced by C.
Protein change: p.Ile179Thr; replaces isoleucine 179 with threonine.
Molecular consequence: missense variant. On other transcripts: non-coding transcript variant (4).
Genome position (GRCh38, 1-based): chr2:74,530,646, T>C. VCF-style: chr2-74530646-T-C. GRCh37 (hg19) VCF-style: chr2-74757773-T-C.
Other names: c.536T>C, p.Ile179Thr (NM_001321727.1, NM_001321728.1, NM_145074.2); short protein forms I179T.
Identifiers: ClinVar variation 2128177 (VCV002128177.4), dbSNP rs2529883432, ClinGen allele CA347378915.

ClinVar aggregate classification (germline): Uncertain significance (1 of 4 stars; one submission).

Submission:

Labcorp Genetics (formerly Invitae), Labcorp
Classification: Uncertain significance. Last evaluated: 2022-04-19. Review status: criteria provided, single submitter. Criteria: Invitae Variant Classification Sherloc (09022015). Collection method: clinical testing. Allele origin: germline.
Comment: Algorithms developed to predict the effect of missense changes on protein structure and function are either unavailable or do not agree on the potential impact of this missense change (SIFT: "Tolerated"; PolyPhen-2: "Probably Damaging"; Align-GVGD: "Class C0"). This sequence change replaces isoleucine, which is neutral and non-polar, with threonine, which is neutral and polar, at codon 179 of the HTRA2 protein (p.Ile179Thr). This variant is not present in population databases (gnomAD no frequency). This variant has not been reported in the literature in individuals affected with HTRA2-related conditions. In summary, the available evidence is currently insufficient to determine the role of this variant in disease. Therefore, it has been classified as a Variant of Uncertain Significance.